The following is an entry in ClinVar:

NM_006031.6(PCNT):c.219A>G (p.Thr73=)

Gene: PCNT (pericentrin; plus strand). Cytogenetic location: 21q22.3.
Variant type: single nucleotide variant.
Coding change: c.219A>G on transcript NM_006031.6 (MANE Select); coding-DNA position 219, A replaced by G.
Protein change: p.Thr73=; no amino-acid change (threonine 73 retained).
Molecular consequence: synonymous variant. On other transcripts: 5 prime UTR variant (1).
Genome position (GRCh38, 1-based): chr21:46,326,541, A>G. VCF-style: chr21-46326541-A-G. GRCh37 (hg19) VCF-style: chr21-47746455-A-G.
Other names: c.-136A>G (NM_001315529.2); c.219A>G (NM_006031.5).
Identifiers: ClinVar variation 2988769 (VCV002988769.5), dbSNP rs750717544, ClinGen allele CA10078171.

ClinVar aggregate classification (germline): Likely benign. Review status: criteria provided, single submitter (1 of 4 stars). 2 submissions from 2 submitters: Likely benign (1). 1 of the submissions does not count toward it. Last evaluated 2025-06-12.

Conditions:
PCNT-related disorder. Also called: PCNT-related condition.

Allele frequency attached by ClinVar (database versions not stated): ExAC 0.00001; gnomAD exomes 0.00001.
gnomAD v4.1: 9 of 1,614,170 alleles (0.00056%); highest among the groups gnomAD compares: Middle Eastern, 0.017%; no homozygotes.

Submissions (2):

Labcorp Genetics (formerly Invitae), Labcorp
Classification: Likely benign. Last evaluated: 2025-06-12. Review status: criteria provided, single submitter. Criteria: Invitae Variant Classification Sherloc (09022015). Collection method: clinical testing. Allele origin: germline.

PreventionGenetics, part of Exact Sciences
Classification: Likely benign for PCNT-related condition. Last evaluated: 2023-11-29. Review status: no assertion criteria provided. Collection method: clinical testing. Allele origin: germline. Not counted in ClinVar's aggregate classification.
Comment: This variant is classified as likely benign based on ACMG/AMP sequence variant interpretation guidelines (Richards et al. 2015 PMID: 25741868, with internal and published modifications).